The following is an entry in ClinVar:

ClinVar aggregate classification (germline): Uncertain significance (1 of 4 stars; one submission).

Conditions:
Renal cell carcinoma. Identifiers: Orphanet 217071, MedGen C0007134, MeSH D002292, MONDO:0005086, HP:0005584.

Submission:

Labcorp Genetics (formerly Invitae), Labcorp
Classification: Uncertain significance for Renal cell carcinoma. Last evaluated: 2024-12-15. Review status: criteria provided, single submitter. Criteria: Invitae Variant Classification Sherloc (09022015). Collection method: clinical testing. Allele origin: germline.
Comment: This sequence change replaces valine, which is neutral and non-polar, with alanine, which is neutral and non-polar, at codon 1088 of the MET protein (p.Val1088Ala). This variant is not present in population databases (gnomAD no frequency). This variant has not been reported in the literature in individuals affected with MET-related conditions. Invitae Evidence Modeling of protein sequence and biophysical properties (such as structural, functional, and spatial information, amino acid conservation, physicochemical variation, residue mobility, and thermodynamic stability) indicates that this missense variant is expected to disrupt MET protein function with a positive predictive value of 80%. In summary, the available evidence is currently insufficient to determine the role of this variant in disease. Therefore, it has been classified as a Variant of Uncertain Significance.

NM_000245.4(MET):c.3209T>C (p.Val1070Ala)

Gene: MET (MET proto-oncogene, receptor tyrosine kinase; plus strand). Cytogenetic location: 7q31.2.
Variant type: single nucleotide variant.
Coding change: c.3209T>C on transcript NM_000245.4 (MANE Select); coding-DNA position 3209, T replaced by C.
Protein change: p.Val1070Ala; replaces valine 1070 with alanine.
Molecular consequence: missense variant.
Genome position (GRCh38, 1-based): chr7:116,775,061, T>C. VCF-style: chr7-116775061-T-C. GRCh37 (hg19) VCF-style: chr7-116415115-T-C.
Other names: c.3263T>C, p.Val1088Ala (NM_001127500.3); c.1919T>C, p.Val640Ala (NM_001324402.2); short protein forms V1088A, V640A, V1070A.
Identifiers: ClinVar variation 3665015 (VCV003665015.2).